The following is an entry in ClinVar:

ClinVar aggregate classification (germline): Uncertain significance (1 of 4 stars; one submission).

Conditions:
Charcot-Marie-Tooth disease type 2. Also called: Charcot-Marie-Tooth type 2. Identifiers: Orphanet 64746, MedGen C0270914, MONDO:0018993.

Allele frequency attached by ClinVar (database versions not stated): gnomAD exomes below 0.00001.
gnomAD v4.1: 4 of 1,509,136 alleles (0.00027%); highest among the groups gnomAD compares: Middle Eastern, 0.035%; 1 homozygote.

Submission:

Labcorp Genetics (formerly Invitae), Labcorp
Classification: Uncertain significance for Charcot-Marie-Tooth disease type 2. Last evaluated: 2025-09-05. Review status: criteria provided, single submitter. Criteria: Invitae Variant Classification Sherloc (09022015). Collection method: clinical testing. Allele origin: germline.
Comment: This sequence change falls in intron 13 of the GARS gene. It does not directly change the encoded amino acid sequence of the GARS protein. It affects a nucleotide within the consensus splice site. This variant is not present in population databases (gnomAD no frequency). This variant has not been reported in the literature in individuals affected with GARS-related conditions. ClinVar contains an entry for this variant (Variation ID: 948985). Variants that disrupt the consensus splice site are a relatively common cause of aberrant splicing (PMID: 17576681, 9536098). Algorithms developed to predict the effect of sequence changes on RNA splicing suggest that this variant is not likely to affect RNA splicing. In summary, the available evidence is currently insufficient to determine the role of this variant in disease. Therefore, it has been classified as a Variant of Uncertain Significance.

Literature cited by the submitters: PubMed 17576681; PubMed 9536098.

NM_002047.4(GARS1):c.1699+6T>A

Gene: GARS1 (glycyl-tRNA synthetase 1; plus strand). Cytogenetic location: 7p14.3.
Variant type: single nucleotide variant.
Coding change: c.1699+6T>A on transcript NM_002047.4 (MANE Select); 6 bases into the intron after coding-DNA position 1699, T replaced by A.
Molecular consequence: intron variant.
Genome position (GRCh38, 1-based): chr7:30,626,325, T>A. VCF-style: chr7-30626325-T-A. GRCh37 (hg19) VCF-style: chr7-30665941-T-A.
Other names: c.1537+6T>A (NM_001316772.1).
Identifiers: ClinVar variation 948985 (VCV000948985.7), dbSNP rs1362621582, ClinGen allele CA1139660019.